The following is an entry in ClinVar:

NM_000551.4(VHL):c.*2594C>A

Genes: VHL (von Hippel-Lindau tumor suppressor; plus strand), LOC107303340 (3p25 von Hippel-Lindau tumor suppressor, E3 ubiquitin protein ligase Alu-mediated recombination region; plus strand). Cytogenetic location: 3p25.3.
Variant type: single nucleotide variant.
Coding change: c.*2594C>A on transcript NM_000551.4 (MANE Select); 2594 bases downstream of the stop codon, C replaced by A.
Molecular consequence: 3 prime UTR variant.
Genome position (GRCh38, 1-based): chr3:10,152,559, C>A. VCF-style: chr3-10152559-C-A. GRCh37 (hg19) VCF-style: chr3-10194243-C-A.
Other names: c.*2790C>A (NM_001354723.2); c.*2594C>A (NM_198156.3).
Identifiers: ClinVar variation 342478 (VCV000342478.5), dbSNP rs191582744, ClinGen allele CA10614867.

ClinVar aggregate classification (germline): Benign (1 of 4 stars; one submission).

Conditions:
Von Hippel-Lindau syndrome (VHLS). Also called: Von Hippel-Lindau; von Hippel–Lindau syndrome; VHL syndrome. Identifiers: Orphanet 892, MedGen C0019562, MONDO:0008667, OMIM 193300. Disease mechanism: loss of function.

Allele frequency attached by ClinVar (database versions not stated): gnomAD 0.00216 and 0.00527; 1000 Genomes Project 30x 0.02530; 1000 Genomes Project 0.02636.
gnomAD v4.1: 638 of 122,098 alleles (0.52%); highest among the groups gnomAD compares: South Asian, 9.5%; 18 homozygotes.

Submission:

Illumina Laboratory Services, Illumina
Classification: Benign for Von Hippel-Lindau syndrome. Last evaluated: 2018-01-13. Review status: criteria provided, single submitter. Criteria: ICSL Variant Classification Criteria 13 December 2019. Collection method: clinical testing. Allele origin: germline.
Comment: This variant was observed in the ICSL laboratory as part of a predisposition screen in an ostensibly healthy population. It had not been previously curated by ICSL or reported in the Human Gene Mutation Database (HGMD: prior to June 1st, 2018), and was therefore a candidate for classification through an automated scoring system. Utilizing variant allele frequency, disease prevalence and penetrance estimates, and inheritance mode, an automated score was calculated to assess if this variant is too frequent to cause the disease. Based on the score and internal cut-off values, a variant classified as benign is not then subjected to further curation. The score for this variant resulted in a classification of benign for this disease.